The following is an entry in ClinVar:

ClinVar aggregate classification (germline): Uncertain significance. Review status: criteria provided, multiple submitters, no conflicts (2 of 4 stars). 2 submissions from 2 submitters: Uncertain significance (2). Last evaluated 2025-12-16.

Conditions:
CHARGE syndrome (CHARGE). Also called: Hittner Hirsch Kreh syndrome; Coloboma, heart anomaly, choanal atresia, retardation, genital and ear anomalies; CHARGE association; Hall-Hittner syndrome; CHARGE ASSOCIATION--COLOBOMA, HEART ANOMALY, CHOANAL ATRESIA, RETARDATION, GENITAL AND EAR ANOMALIES. Identifiers: Orphanet 138, MedGen C0265354, MONDO:0008965.

Allele frequency attached by ClinVar (database versions not stated): gnomAD exomes 0.00001; TOPMed 0.00001; ExAC 0.00002.
gnomAD v4.1: 19 of 1,613,238 alleles (0.0012%); highest among the groups gnomAD compares: African/African-American, 0.0027%; no homozygotes.

Submissions (2):

Labcorp Genetics (formerly Invitae), Labcorp
Classification: Uncertain significance for CHARGE syndrome. Last evaluated: 2025-12-16. Review status: criteria provided, single submitter. Criteria: Invitae Variant Classification Sherloc (09022015). Collection method: clinical testing. Allele origin: germline.
Comment: This sequence change replaces alanine, which is neutral and non-polar, with valine, which is neutral and non-polar, at codon 290 of the SEMA3E protein (p.Ala290Val). This variant is present in population databases (rs749567149, gnomAD 0.006%). This variant has not been reported in the literature in individuals affected with SEMA3E-related conditions. ClinVar contains an entry for this variant (Variation ID: 956162). Invitae Evidence Modeling of protein sequence and biophysical properties (such as structural, functional, and spatial information, amino acid conservation, physicochemical variation, residue mobility, and thermodynamic stability) indicates that this missense variant is expected to disrupt SEMA3E protein function with a positive predictive value of 80%. In summary, the available evidence is currently insufficient to determine the role of this variant in disease. Therefore, it has been classified as a Variant of Uncertain Significance.

Revvity Omics, Revvity
Classification: Uncertain significance. Last evaluated: 2021-05-21. Review status: criteria provided, single submitter. Criteria: ACMG Guidelines, 2015. Collection method: clinical testing. Allele origin: germline.

NM_012431.3(SEMA3E):c.869C>T (p.Ala290Val)

Gene: SEMA3E (semaphorin 3E; minus strand). Cytogenetic location: 7q21.11.
Variant type: single nucleotide variant.
Coding change: c.869C>T on transcript NM_012431.3 (MANE Select); coding-DNA position 869, C replaced by T.
Protein change: p.Ala290Val; replaces alanine 290 with valine.
Molecular consequence: missense variant.
Genome position (GRCh38, 1-based): chr7:83,406,004, G>A on the plus strand (C>T on the coding strand, the complement: SEMA3E is on the minus strand). VCF-style: chr7-83406004-G-A. GRCh37 (hg19) VCF-style: chr7-83035320-G-A.
Other names: c.689C>T, p.Ala230Val (NM_001178129.2); short protein forms A230V, A290V.
Identifiers: ClinVar variation 956162 (VCV000956162.9), dbSNP rs749567149, ClinGen allele CA4322186.